The following is an entry in ClinVar:

ClinVar aggregate classification (germline): Benign. Review status: criteria provided, multiple submitters, no conflicts (2 of 4 stars). 3 submissions from 3 submitters: Benign (3). Last evaluated 2018-06-26.

Conditions:
Alstrom syndrome (ALMS). Identifiers: Orphanet 64, MedGen C0268425, MONDO:0008763, OMIM 203800.

Allele frequency attached by ClinVar (database versions not stated): 1000 Genomes Project 0.10523; 1000 Genomes Project 30x 0.10681; gnomAD 0.14120 and 0.14287; TOPMed 0.14373; gnomAD exomes 0.15517.
gnomAD v4.1: 67,894 of 451,088 alleles (15%); highest among the groups gnomAD compares: Admixed American, 18%; 5,780 homozygotes.

Submissions (3):

GeneDx
Classification: Benign. Last evaluated: 2018-06-26. Review status: criteria provided, single submitter. Criteria: GeneDx Variant Classification Process June 2021. Collection method: clinical testing. Allele origin: germline. Affected: yes.

Illumina Laboratory Services, Illumina
Classification: Benign for Alstrom syndrome. Last evaluated: 2018-01-13. Review status: criteria provided, single submitter. Criteria: ICSL Variant Classification Criteria 13 December 2019. Collection method: clinical testing. Allele origin: germline.
Comment: This variant was observed in the ICSL laboratory as part of a predisposition screen in an ostensibly healthy population. It had not been previously curated by ICSL or reported in the Human Gene Mutation Database (HGMD: prior to June 1st, 2018), and was therefore a candidate for classification through an automated scoring system. Utilizing variant allele frequency, disease prevalence and penetrance estimates, and inheritance mode, an automated score was calculated to assess if this variant is too frequent to cause the disease. Based on the score and internal cut-off values, a variant classified as benign is not then subjected to further curation. The score for this variant resulted in a classification of benign for this disease.

Breakthrough Genomics
Classification: Benign. Review status: criteria provided, single submitter. Criteria: ACMG Guidelines, 2015. Collection method: not provided. Allele origin: germline. Inheritance: Autosomal recessive inheritance. Affected: yes.

NM_001378454.1(ALMS1):c.*267T>A

Gene: ALMS1 (ALMS1 centrosome and basal body associated protein; plus strand). Cytogenetic location: 2p13.1.
Variant type: single nucleotide variant.
Coding change: c.*267T>A on transcript NM_001378454.1 (MANE Select); 267 bases downstream of the stop codon, T replaced by A.
Molecular consequence: 3 prime UTR variant.
Genome position (GRCh38, 1-based): chr2:73,609,879, T>A. VCF-style: chr2-73609879-T-A. GRCh37 (hg19) VCF-style: chr2-73837006-T-A.
Other names: c.*267T>A (NM_015120.4).
Identifiers: ClinVar variation 337039 (VCV000337039.8), dbSNP rs62149804, ClinGen allele CA10613956.